The following is an entry in ClinVar:

ClinVar aggregate classification (germline): Uncertain significance. Review status: criteria provided, single submitter (1 of 4 stars). 2 submissions from 2 submitters: Uncertain significance (1). 1 of the submissions does not count toward it. Last evaluated 2021-08-27.

Conditions:
Usher syndrome type 1B (USH1B). Also called: Usher syndrome type IB. Identifiers: MedGen C1848638, MONDO:0700087.

Allele frequency attached by ClinVar (database versions not stated): gnomAD exomes below 0.00001.

Submissions (2):

Labcorp Genetics (formerly Invitae), Labcorp
Classification: Uncertain significance. Last evaluated: 2021-08-27. Review status: criteria provided, single submitter. Criteria: Invitae Variant Classification Sherloc (09022015). Collection method: clinical testing. Allele origin: germline.
Comment: This sequence change replaces threonine with serine at codon 1077 of the MYO7A protein (p.Thr1077Ser). The threonine residue is highly conserved and there is a small physicochemical difference between threonine and serine. This variant is not present in population databases (ExAC no frequency). This variant has not been reported in the literature in individuals affected with MYO7A-related conditions. Algorithms developed to predict the effect of missense changes on protein structure and function are either unavailable or do not agree on the potential impact of this missense change (SIFT: "Deleterious"; PolyPhen-2: "Probably Damaging"; Align-GVGD: "Class C0"). In summary, the available evidence is currently insufficient to determine the role of this variant in disease. Therefore, it has been classified as a Variant of Uncertain Significance.

Natera, Inc.
Classification: Uncertain significance for Usher syndrome type 1B. Last evaluated: 2021-06-03. Review status: no assertion criteria provided. Collection method: clinical testing. Allele origin: germline. Not counted in ClinVar's aggregate classification.

NM_000260.4(MYO7A):c.3229A>T (p.Thr1077Ser)

Gene: MYO7A (myosin VIIA; plus strand). Cytogenetic location: 11q13.5.
Variant type: single nucleotide variant.
Coding change: c.3229A>T on transcript NM_000260.4 (MANE Select); coding-DNA position 3229, A replaced by T.
Protein change: p.Thr1077Ser; replaces threonine 1077 with serine.
Molecular consequence: missense variant.
Genome position (GRCh38, 1-based): chr11:77,182,544, A>T. VCF-style: chr11-77182544-A-T. GRCh37 (hg19) VCF-style: chr11-76893589-A-T.
Other names: c.3229A>T, p.Thr1077Ser (NM_001127180.2); c.3196A>T, p.Thr1066Ser (NM_001369365.1); short protein forms T1066S, T1077S.
Identifiers: ClinVar variation 1024687 (VCV001024687.3), dbSNP rs1555085543, ClinGen allele CA381944926.